The following is an entry in ClinVar:

NM_004444.5(EPHB4):c.593C>T (p.Ala198Val)

Gene: EPHB4 (EPH receptor B4; minus strand). Cytogenetic location: 7q22.1.
Variant type: single nucleotide variant.
Coding change: c.593C>T on transcript NM_004444.5 (MANE Select); coding-DNA position 593, C replaced by T.
Protein change: p.Ala198Val; replaces alanine 198 with valine.
Molecular consequence: missense variant.
Genome position (GRCh38, 1-based): chr7:100,822,486, G>A on the plus strand (C>T on the coding strand, the complement: EPHB4 is on the minus strand). VCF-style: chr7-100822486-G-A. GRCh37 (hg19) VCF-style: chr7-100420108-G-A.
Other names: short protein forms A198V.
Identifiers: ClinVar variation 4870539 (VCV004870539.1).
Genomic context (GRCh38, chr7:100,822,486, plus strand): 5'-GGCACAACCAGCTCCCGAGGCACAGTCTCCGGGAATCGAGTCAGGTTCACAGTCAGCTGG[G>A]CGCACTTTTTGTAGAAGAGGTGCAGGGATAGCAGGGCCATGCAGGCACCCTGGTCCTGGA-3'
Protein context (NP_004435.3, residues 188-208): LSLHLFYKKC[Ala198Val]QLTVNLTRFP

ClinVar aggregate classification (germline): Uncertain significance (1 of 4 stars; one submission).

Conditions:
Cardiovascular phenotype. Identifiers: MedGen CN230736.

Submission:

Ambry Genetics
Classification: Uncertain significance for Cardiovascular phenotype. Last evaluated: 2026-03-29. Review status: criteria provided, single submitter. Criteria: Ambry Variant Classification Scheme 2023. Collection method: clinical testing. Allele origin: germline.
Comment: The p.A198V variant (also known as c.593C>T), located in coding exon 4 of the EPHB4 gene, results from a C to T substitution at nucleotide position 593. The alanine at codon 198 is replaced by valine, an amino acid with similar properties. This amino acid position is conserved. In addition, this alteration is predicted to be tolerated by in silico analysis. Based on the available evidence, the clinical significance of this variant remains unclear.